The following is an entry in ClinVar:

NM_001142800.2(EYS):c.5233G>A (p.Asp1745Asn)

Gene: EYS (EGF-like photoreceptor maintenance factor; minus strand). Cytogenetic location: 6q12.
Variant type: single nucleotide variant.
Coding change: c.5233G>A on transcript NM_001142800.2 (MANE Select); coding-DNA position 5233, G replaced by A.
Protein change: p.Asp1745Asn; replaces aspartic acid 1745 with asparagine.
Molecular consequence: missense variant.
Genome position (GRCh38, 1-based): chr6:64,590,634, C>T on the plus strand (G>A on the coding strand, the complement: EYS is on the minus strand). VCF-style: chr6-64590634-C-T. GRCh37 (hg19) VCF-style: chr6-65300527-C-T.
Other names: c.5233G>A, p.Asp1745Asn (NM_001292009.2); short protein forms D1745N.
Identifiers: ClinVar variation 762528 (VCV000762528.15), dbSNP rs145274061, ClinGen allele CA3877032.

ClinVar aggregate classification (germline): Likely benign. Review status: criteria provided, multiple submitters, no conflicts (2 of 4 stars). 4 submissions from 4 submitters: Likely benign (3). 1 of the submissions does not count toward it. Last evaluated 2026-02-01.

Conditions:
EYS-related disorder. Also called: EYS-related condition.
Autosomal recessive retinitis pigmentosa. Identifiers: MedGen C0339526.

Allele frequency attached by ClinVar (database versions not stated): ExAC 0.00015; gnomAD exomes 0.00021; 1000 Genomes Project 30x 0.00031; 1000 Genomes Project 0.00040; gnomAD 0.00108 and 0.00118; TOPMed 0.00118.
gnomAD v4.1: 330 of 1,551,216 alleles (0.021%); highest among the groups gnomAD compares: African/African-American, 0.4%; 2 homozygotes.

Submissions (4):

Labcorp Genetics (formerly Invitae), Labcorp
Classification: Likely benign. Last evaluated: 2026-02-01. Review status: criteria provided, single submitter. Criteria: Invitae Variant Classification Sherloc (09022015). Collection method: clinical testing. Allele origin: germline.

Blueprint Genetics
Classification: Likely benign. Last evaluated: 2024-11-25. Review status: criteria provided, single submitter. Criteria: ACMG Guidelines, 2015. Collection method: clinical testing. Allele origin: germline.

PreventionGenetics, part of Exact Sciences
Classification: Likely benign for EYS-related condition. Last evaluated: 2024-10-27. Review status: criteria provided, single submitter. Criteria: ACMG Guidelines, 2015. Collection method: clinical testing. Allele origin: germline.
Comment: This variant is classified as likely benign based on ACMG/AMP sequence variant interpretation guidelines (Richards et al. 2015 PMID: 25741868, with internal and published modifications).

Natera, Inc.
Classification: Uncertain significance for Autosomal recessive retinitis pigmentosa. Last evaluated: 2020-06-24. Review status: no assertion criteria provided. Collection method: clinical testing. Allele origin: germline. Not counted in ClinVar's aggregate classification.